The following is an entry in ClinVar:

ClinVar aggregate classification (germline): Uncertain significance (1 of 4 stars; one submission).

Conditions:
Very long chain acyl-CoA dehydrogenase deficiency (ACADVLD). Also called: VLCAD Deficiency; Very Long-Chain Acyl-Coenzyme A Dehydrogenase Deficiency. Identifiers: Orphanet 26793, MedGen C3887523, MONDO:0008723, OMIM 201475.

Submission:

Labcorp Genetics (formerly Invitae), Labcorp
Classification: Uncertain significance for Very long chain acyl-CoA dehydrogenase deficiency. Last evaluated: 2022-03-17. Review status: criteria provided, single submitter. Criteria: Invitae Variant Classification Sherloc (09022015). Collection method: clinical testing. Allele origin: germline.
Comment: This sequence change falls in intron 16 of the ACADVL gene. It does not directly change the encoded amino acid sequence of the ACADVL protein. It affects a nucleotide within the consensus splice site. Information on the frequency of this variant in the gnomAD database is not available, as this variant may be reported differently in the database. This variant has not been reported in the literature in individuals affected with ACADVL-related conditions. Variants that disrupt the consensus splice site are a relatively common cause of aberrant splicing (PMID: 17576681, 9536098). Algorithms developed to predict the effect of sequence changes on RNA splicing suggest that this variant may disrupt the consensus splice site. In summary, the available evidence is currently insufficient to determine the role of this variant in disease. Therefore, it has been classified as a Variant of Uncertain Significance.

Literature cited by the submitters: PubMed 17576681; PubMed 9536098.

NM_000018.4(ACADVL):c.1605+6_1605+7delinsCC

Gene: ACADVL (acyl-CoA dehydrogenase very long chain; plus strand). Cytogenetic location: 17p13.1.
Variant type: Indel.
Coding change: c.1605+6_1605+7delinsCC on transcript NM_000018.4 (MANE Select); bases 6 to 7 of the intron after coding-DNA position 1605, TG replaced by CC.
Molecular consequence: intron variant.
Genome position (GRCh38, 1-based): chr17:7,224,399-7,224,400, TG replaced by CC. VCF-style: chr17-7224399-TG-CC. GRCh37 (hg19) VCF-style: chr17-7127718-TG-CC.
Other names: c.1674+6_1674+7delinsCC (NM_001270447.2); c.1377+6_1377+7delinsCC (NM_001270448.2); c.1539+6_1539+7delinsCC (NM_001033859.3).
Identifiers: ClinVar variation 1413961 (VCV001413961.3), dbSNP rs1064795676, ClinGen allele CA2573154525.